The following is an entry in ClinVar:

ClinVar aggregate classification (germline): Uncertain significance. Review status: criteria provided, multiple submitters, no conflicts (2 of 4 stars). 2 submissions from 2 submitters: Uncertain significance (2). Last evaluated 2025-04-30.

Conditions:
Myopathy, proximal, and ophthalmoplegia (CMYO6). Also called: INCLUSION BODY MYOPATHY 3, AUTOSOMAL DOMINANT; MYOPATHY WITH CONGENITAL JOINT CONTRACTURES, OPHTHALMOPLEGIA, AND RIMMED VACUOLES; CONGENITAL MYOPATHY 6 WITH OPHTHALMOPLEGIA. Identifiers: Orphanet 363677, Orphanet 79091, MedGen C1854106, MONDO:0011577, OMIM 605637.

Allele frequency attached by ClinVar (database versions not stated): gnomAD exomes below 0.00001; gnomAD 0.00001; TOPMed 0.00001.
gnomAD v4.1: 8 of 1,612,696 alleles (0.0005%); highest among the groups gnomAD compares: Admixed American, 0.0017%; no homozygotes.

Submissions (2):

Labcorp Genetics (formerly Invitae), Labcorp
Classification: Uncertain significance for Myopathy, proximal, and ophthalmoplegia. Last evaluated: 2025-04-30. Review status: criteria provided, single submitter. Criteria: Invitae Variant Classification Sherloc (09022015). Collection method: clinical testing. Allele origin: germline.
Comment: This sequence change falls in intron 27 of the MYH2 gene. It does not directly change the encoded amino acid sequence of the MYH2 protein. It affects a nucleotide within the consensus splice site. This variant is present in population databases (no rsID available, gnomAD 0.0009%). This variant has not been reported in the literature in individuals affected with MYH2-related conditions. ClinVar contains an entry for this variant (Variation ID: 1443325). Variants that disrupt the consensus splice site are a relatively common cause of aberrant splicing (PMID: 17576681, 9536098). Algorithms developed to predict the effect of sequence changes on RNA splicing suggest that this variant is not likely to affect RNA splicing. In summary, the available evidence is currently insufficient to determine the role of this variant in disease. Therefore, it has been classified as a Variant of Uncertain Significance.

Revvity Omics, Revvity
Classification: Uncertain significance for Myopathy, proximal, and ophthalmoplegia. Last evaluated: 2021-08-06. Review status: criteria provided, single submitter. Criteria: ACMG Guidelines, 2015. Collection method: clinical testing. Allele origin: germline.

Literature cited by the submitters: PubMed 17576681 (cited by Labcorp Genetics (formerly Invitae), Labcorp); PubMed 9536098 (cited by Labcorp Genetics (formerly Invitae), Labcorp).

NM_017534.6(MYH2):c.3745-3T>C

Genes: MYHAS (myosin heavy chain gene cluster antisense RNA; plus strand), MYH2 (myosin heavy chain 2; minus strand). Cytogenetic location: 17p13.1.
Variant type: single nucleotide variant.
Coding change: c.3745-3T>C on transcript NM_017534.6 (MANE Select); 3 bases into the intron before coding-DNA position 3745, T replaced by C.
Molecular consequence: intron variant.
Genome position (GRCh38, 1-based): chr17:10,527,877, A>G on the plus strand (T>C on the coding strand, the complement: MYH2 is on the minus strand). VCF-style: chr17-10527877-A-G. GRCh37 (hg19) VCF-style: chr17-10431194-A-G.
Other names: c.3745-3T>C (NM_001100112.2).
Identifiers: ClinVar variation 1443325 (VCV001443325.6), dbSNP rs1305490194, ClinGen allele CA624875807.
Genomic context (GRCh38, chr17:10,527,877, plus strand): 5'-TTGATTTCAGTTCACTCAGTTGGTCCTCTAGAGTCCGGCACATTTTCTCTAGGTTTCCCT[A>G]TAGAAGAAAAAGTAAAAGAAGAAAACAGAGACCTTTTAAGCGAATAATAATCACCTTTGC-3'